The following is an entry in ClinVar:

ClinVar aggregate classification (germline): Likely pathogenic (1 of 4 stars; one submission).

Submission:

HudsonAlpha Institute for Biotechnology
Classification: Likely pathogenic. Last evaluated: 2018-09-19. Review status: criteria provided, single submitter. Criteria: ACMG Guidelines, 2015. Collection method: research. Allele origin: de novo. Affected: yes. Observed: 1 variant allele. Study: CSER-SouthSeq.
Comment: ACMG codes: PM2, PM6, PP3, PP4

NM_001127392.3(MYRF):c.1200C>A (p.Asn400Lys)

Gene: MYRF (myelin regulatory factor; plus strand). Cytogenetic location: 11q12.2.
Variant type: single nucleotide variant.
Coding change: c.1200C>A on transcript NM_001127392.3 (MANE Select); coding-DNA position 1200, C replaced by A.
Protein change: p.Asn400Lys; replaces asparagine 400 with lysine.
Molecular consequence: missense variant.
Genome position (GRCh38, 1-based): chr11:61,774,051, C>A. VCF-style: chr11-61774051-C-A. GRCh37 (hg19) VCF-style: chr11-61541523-C-A.
Other names: c.1173C>A, p.Asn391Lys (NM_013279.4); short protein forms N400K, N391K.
Identifiers: ClinVar variation 623659 (VCV000623659.2), dbSNP rs1565295267, ClinGen allele CA380851989.